The following is an entry in ClinVar:

NM_001204.7(BMPR2):c.2741A>T (p.Asp914Val)

Gene: BMPR2 (bone morphogenetic protein receptor type 2; plus strand). Cytogenetic location: 2q33.2.
Variant type: single nucleotide variant.
Coding change: c.2741A>T on transcript NM_001204.7 (MANE Select); coding-DNA position 2741, A replaced by T.
Protein change: p.Asp914Val; replaces aspartic acid 914 with valine.
Molecular consequence: missense variant.
Genome position (GRCh38, 1-based): chr2:202,556,406, A>T. VCF-style: chr2-202556406-A-T. GRCh37 (hg19) VCF-style: chr2-203421129-A-T.
Other names: short protein forms D914V.
Identifiers: ClinVar variation 4214534 (VCV004214534.1).

ClinVar aggregate classification (germline): Uncertain significance (1 of 4 stars; one submission).

Conditions:
Inborn genetic diseases. Identifiers: MedGen C0950123, MeSH D030342.

gnomAD v4.1: 1 of 1,614,178 alleles (0.000062%); highest among the groups gnomAD compares: Non-Finnish European, 0.000085%; no homozygotes.

Submission:

Ambry Genetics
Classification: Uncertain significance for Inborn genetic diseases. Last evaluated: 2025-08-25. Review status: criteria provided, single submitter. Criteria: Ambry Variant Classification Scheme 2023. Collection method: clinical testing. Allele origin: germline.
Comment: The p.D914V variant (also known as c.2741A>T), located in coding exon 12 of the BMPR2 gene, results from an A to T substitution at nucleotide position 2741. The aspartic acid at codon 914 is replaced by valine, an amino acid with highly dissimilar properties. This amino acid position is conserved. In addition, the in silico prediction for this alteration is inconclusive. Based on the available evidence, the clinical significance of this variant remains unclear.